The following is an entry in ClinVar:

ClinVar aggregate classification (germline): Uncertain significance (1 of 4 stars; one submission).

Conditions:
Hereditary cancer-predisposing syndrome. Also called: Hereditary Cancer Syndrome; Neoplastic Syndromes, Hereditary; Tumor predisposition; Hereditary neoplastic syndrome. Identifiers: Orphanet 140162, MedGen C0027672, MeSH D009386, MONDO:0015356.

Submission:

Ambry Genetics
Classification: Uncertain significance for Hereditary cancer-predisposing syndrome. Last evaluated: 2017-01-24. Review status: criteria provided, single submitter. Criteria: Ambry Variant Classification Scheme 2023. Collection method: clinical testing. Allele origin: germline.
Comment: The p.F336L variant (also known as c.1006T>C), located in coding exon 7 of the ATM gene, results from a T to C substitution at nucleotide position 1006. The phenylalanine at codon 336 is replaced by leucine, an amino acid with highly similar properties. This amino acid position is poorly conserved in available vertebrate species. In addition, this alteration is predicted to be tolerated by in silico analysis. Since supporting evidence is limited at this time, the clinical significance of this alteration remains unclear.

NM_000051.4(ATM):c.1006T>C (p.Phe336Leu)

Gene: ATM (ATM serine/threonine kinase; plus strand). Cytogenetic location: 11q22.3.
Variant type: single nucleotide variant.
Coding change: c.1006T>C on transcript NM_000051.4 (MANE Select); coding-DNA position 1006, T replaced by C.
Protein change: p.Phe336Leu; replaces phenylalanine 336 with leucine.
Molecular consequence: missense variant.
Genome position (GRCh38, 1-based): chr11:108,247,068, T>C. VCF-style: chr11-108247068-T-C. GRCh37 (hg19) VCF-style: chr11-108117795-T-C.
Other names: c.1006T>C, p.Phe336Leu (NM_001351834.2); short protein forms F336L.
Identifiers: ClinVar variation 481327 (VCV000481327.5), dbSNP rs1555068485, ClinGen allele CA382531392.